The following is an entry in ClinVar:

NM_002778.4(PSAP):c.470A>G (p.Asn157Ser)

Gene: PSAP (prosaposin; minus strand). Cytogenetic location: 10q22.1.
Variant type: single nucleotide variant.
Coding change: c.470A>G on transcript NM_002778.4 (MANE Select); coding-DNA position 470, A replaced by G.
Protein change: p.Asn157Ser; replaces asparagine 157 with serine.
Molecular consequence: missense variant.
Genome position (GRCh38, 1-based): chr10:71,828,983, T>C on the plus strand (A>G on the coding strand, the complement: PSAP is on the minus strand). VCF-style: chr10-71828983-T-C. GRCh37 (hg19) VCF-style: chr10-73588740-T-C.
Other names: rs756379007; c.470A>G, p.Asn157Ser (NM_001042465.3, NM_001042466.3); short protein forms N157S.
Identifiers: ClinVar variation 870633 (VCV000870633.7), dbSNP rs756379007, ClinGen allele CA5547761.

ClinVar aggregate classification (germline): Uncertain significance. Review status: criteria provided, multiple submitters, no conflicts (2 of 4 stars). 3 submissions from 3 submitters: Uncertain significance (2). 1 of the submissions does not count toward it. Last evaluated 2024-09-25.

Conditions:
Sphingolipid activator protein 1 deficiency. Also called: Saposin B Deficiency; METACHROMATIC LEUKODYSTROPHY DUE TO CEREBROSIDE SULFATASE ACTIVATOR DEFICIENCY; Metachromatic leukodystrophy due to saposin B deficiency. Identifiers: Orphanet 512, MedGen C0268262, MONDO:0009590, OMIM 249900.
Parkinson disease, late-onset (PD). Also called: Susceptibility to Parkinson's Disease; Hereditary late onset Parkinson disease; PARKINSON DISEASE, LATE-ONSET, SUSCEPTIBILITY TO. Identifiers: Orphanet 411602, MedGen C3160718, MONDO:0008199, OMIM 168600.

Allele frequency attached by ClinVar (database versions not stated): ExAC 0.00001; gnomAD exomes 0.00001.
gnomAD v4.1: 10 of 1,614,120 alleles (0.00062%); highest among the groups gnomAD compares: East Asian, 0.0022%; no homozygotes.

Submissions (3):

Women's Health and Genetics/Laboratory Corporation of America, LabCorp
Classification: Uncertain significance. Last evaluated: 2024-09-25. Review status: criteria provided, single submitter. Criteria: LabCorp Variant Classification Summary - May 2015. Collection method: clinical testing. Allele origin: germline.
Comment: Variant summary: PSAP c.470A>G (p.Asn157Ser) results in a conservative amino acid change in the encoded protein sequence. Three of five in-silico tools predict a damaging effect of the variant on protein function. The variant allele was found at a frequency of 8e-06 in 251456 control chromosomes (gnomAD). c.470A>G has been reported in the literature in individuals affected with Parkinson's disease (Ouled_2018, Aslam_2021). These reports do not provide unequivocal conclusions about association of the variant with Metachromatic Leukodystrophy. At least one publication reports experimental evidence evaluating an impact on protein function, finding that the variant showed altered functions in the context of cellular alpha-synuclein homeostasis when expressed in reporter cells (Aslam_2021). The following publications have been ascertained in the context of this evaluation (PMID: 33402667, 30037697). ClinVar contains an entry for this variant (Variation ID: 870633). Based on the evidence outlined above, the variant was classified as VUS-possibly pathogenic.

Labcorp Genetics (formerly Invitae), Labcorp
Classification: Uncertain significance for Sphingolipid activator protein 1 deficiency. Last evaluated: 2022-07-22. Review status: criteria provided, single submitter. Criteria: Invitae Variant Classification Sherloc (09022015). Collection method: clinical testing. Allele origin: germline.
Comment: This sequence change replaces asparagine, which is neutral and polar, with serine, which is neutral and polar, at codon 157 of the PSAP protein (p.Asn157Ser). This variant is present in population databases (rs756379007, gnomAD 0.006%). This variant has not been reported in the literature in individuals affected with PSAP-related conditions. ClinVar contains an entry for this variant (Variation ID: 870633). Algorithms developed to predict the effect of missense changes on protein structure and function are either unavailable or do not agree on the potential impact of this missense change (SIFT: "Not Available"; PolyPhen-2: "Probably Damaging"; Align-GVGD: "Not Available"). Experimental studies have shown that this missense change affects PSAP function (PMID: 33402667). In summary, the available evidence is currently insufficient to determine the role of this variant in disease. Therefore, it has been classified as a Variant of Uncertain Significance.

Institute for Pathophysiology, Universitaetsmedizin JGU Mainz
Classification: Pathogenic for Parkinson disease, late-onset. Last evaluated: 2020-04-22. Review status: no assertion criteria provided. Collection method: research. Allele origin: germline. Inheritance: Autosomal dominant inheritance. Affected: yes. Observed: 4 variant alleles, 4 heterozygotes. Not counted in ClinVar's aggregate classification.
Comment: The Asn157Ser variant in PSAP is reported in 1 family with autosomal dominant Parkinson's disease, segregated with the disease in four affected relatives, and was absent from a large control population. Additionally, in vitro, functional studies indicate that the Asn157Ser variant disrupts normal PSAP localization and function. In summary, the Asn157Ser variant is classified as likely pathogenic based upon segregation studies, absence from controls, and functional evidence in vitro.

Literature cited by the submitters: PubMed 30037697 (cited by Women's Health and Genetics/Laboratory Corporation of America, LabCorp); PubMed 33402667 (cited by Women's Health and Genetics/Laboratory Corporation of America, LabCorp and Labcorp Genetics (formerly Invitae), Labcorp).